The following is an entry in ClinVar:

NM_002069.6(GNAI1):c.169C>G (p.His57Asp)

Gene: GNAI1 (G protein subunit alpha i1; plus strand). Cytogenetic location: 7q21.11.
Variant type: single nucleotide variant.
Coding change: c.169C>G on transcript NM_002069.6 (MANE Select); coding-DNA position 169, C replaced by G.
Protein change: p.His57Asp; replaces histidine 57 with aspartic acid.
Molecular consequence: missense variant.
Genome position (GRCh38, 1-based): chr7:80,189,097, C>G. VCF-style: chr7-80189097-C-G. GRCh37 (hg19) VCF-style: chr7-79818413-C-G.
Other names: c.13C>G, p.His5Asp (NM_001256414.2); short protein forms H57D, H5D.
Identifiers: ClinVar variation 3383698 (VCV003383698.1).

ClinVar aggregate classification (germline): Uncertain significance (1 of 4 stars; one submission).

Submission:

GeneDx
Classification: Uncertain significance. Last evaluated: 2024-05-26. Review status: criteria provided, single submitter. Criteria: GeneDx Variant Classification Process June 2021. Collection method: clinical testing. Allele origin: germline. Affected: yes.
Comment: Not observed at significant frequency in large population cohorts (gnomAD); In silico analysis supports that this missense variant has a deleterious effect on protein structure/function; Has not been previously published as pathogenic or benign to our knowledge